The following is an entry in ClinVar:

ClinVar aggregate classification (germline): Benign/Likely benign. Review status: criteria provided, multiple submitters, no conflicts (2 of 4 stars). 5 submissions from 5 submitters: Benign (2); Likely benign (2). 1 of the submissions does not count toward it. Last evaluated 2024-06-11.

Conditions:
CHD7-related disorder. Also called: CHD7-related condition.

Allele frequency attached by ClinVar (database versions not stated): gnomAD exomes 0.00016; ExAC 0.00035; gnomAD 0.00088 and 0.00094; TOPMed 0.00109; 1000 Genomes Project 0.00120; 1000 Genomes Project 30x 0.00156.
gnomAD v4.1: 238 of 1,611,606 alleles (0.015%); highest among the groups gnomAD compares: African/African-American, 0.3%; 2 homozygotes.

Submissions (5):

Blueprint Genetics
Classification: Benign. Last evaluated: 2024-06-11. Review status: criteria provided, single submitter. Criteria: ACMG Guidelines, 2015. Collection method: clinical testing. Allele origin: germline.

GeneDx
Classification: Benign. Last evaluated: 2021-01-10. Review status: criteria provided, single submitter. Criteria: GeneDx Variant Classification Process June 2021. Collection method: clinical testing. Allele origin: germline. Affected: yes.

Labcorp Genetics (formerly Invitae), Labcorp
Classification: Likely benign. Last evaluated: 2018-03-30. Review status: criteria provided, single submitter. Criteria: Invitae Variant Classification Sherloc (09022015). Collection method: clinical testing. Allele origin: germline.

Breakthrough Genomics
Classification: Likely benign. Review status: criteria provided, single submitter. Criteria: ACMG Guidelines, 2015. Collection method: not provided. Allele origin: germline. Inheritance: Autosomal dominant inheritance. Affected: yes.

PreventionGenetics, part of Exact Sciences
Classification: Likely benign for CHD7-related condition. Last evaluated: 2021-08-11. Review status: no assertion criteria provided. Collection method: clinical testing. Allele origin: germline. Not counted in ClinVar's aggregate classification.
Comment: This variant is classified as likely benign based on ACMG/AMP sequence variant interpretation guidelines (Richards et al. 2015 PMID: 25741868, with internal and published modifications).

NM_017780.4(CHD7):c.6989G>C (p.Gly2330Ala)

Gene: CHD7 (chromodomain helicase DNA binding protein 7; plus strand). Cytogenetic location: 8q12.2.
Variant type: single nucleotide variant.
Coding change: c.6989G>C on transcript NM_017780.4 (MANE Select); coding-DNA position 6989, G replaced by C.
Protein change: p.Gly2330Ala; replaces glycine 2330 with alanine.
Molecular consequence: missense variant. On other transcripts: intron variant (1).
Genome position (GRCh38, 1-based): chr8:60,856,027, G>C. VCF-style: chr8-60856027-G-C. GRCh37 (hg19) VCF-style: chr8-61768586-G-C.
Other names: c.1717-6202G>C (NM_001316690.1); short protein forms G2330A.
Identifiers: ClinVar variation 709338 (VCV000709338.9), dbSNP rs77704609, ClinGen allele CA4760716.
Genomic context (GRCh38, chr8:60,856,027, plus strand): 5'-CCCTCCAGGATAGAGTAATGATAAACCGCTTAGACAACATCTGTGAAGCAGTGTTGAAAG[G>C]CAAATGGCCAGTAAATAGGCGCCAGATGTTTGATTTCCAAGGCCTCATCCCAGGTTACAC-3'
Protein context (NP_060250.2, residues 2320-2340): LDNICEAVLK[Gly2330Ala]KWPVNRRQMF